The following is an entry in ClinVar:

NM_006514.4(SCN10A):c.428A>C (p.Asn143Thr)

Gene: SCN10A (sodium voltage-gated channel alpha subunit 10; minus strand). Cytogenetic location: 3p22.2.
Variant type: single nucleotide variant.
Coding change: c.428A>C on transcript NM_006514.4 (MANE Select); coding-DNA position 428, A replaced by C.
Protein change: p.Asn143Thr; replaces asparagine 143 with threonine.
Molecular consequence: missense variant.
Genome position (GRCh38, 1-based): chr3:38,788,998, T>G on the plus strand (A>C on the coding strand, the complement: SCN10A is on the minus strand). VCF-style: chr3-38788998-T-G. GRCh37 (hg19) VCF-style: chr3-38830489-T-G.
Other names: c.428A>C, p.Asn143Thr (NM_001293306.2, NM_001293307.2); short protein forms N143T.
Identifiers: ClinVar variation 3368220 (VCV003368220.1).

ClinVar aggregate classification (germline): Uncertain significance (1 of 4 stars; one submission).

Submission:

GeneDx
Classification: Uncertain significance. Last evaluated: 2024-01-23. Review status: criteria provided, single submitter. Criteria: GeneDx Variant Classification Process June 2021. Collection method: clinical testing. Allele origin: germline. Affected: yes.
Comment: Not observed at significant frequency in large population cohorts (gnomAD); In silico analysis supports that this missense variant has a deleterious effect on protein structure/function; Has not been previously published as pathogenic or benign to our knowledge